The following is an entry in ClinVar:

ClinVar aggregate classification (germline): Uncertain significance (1 of 4 stars; one submission).

gnomAD v4.1: 10 of 1,574,184 alleles (0.00064%); highest among the groups gnomAD compares: African/African-American, 0.0068%; no homozygotes.

Submission:

Ambry Genetics
Classification: Uncertain significance. Last evaluated: 2025-03-13. Review status: criteria provided, single submitter. Criteria: Ambry Variant Classification Scheme 2023. Collection method: clinical testing. Allele origin: germline.
Comment: The c.572+3A>G intronic variant results from an A to G substitution 3 nucleotides after coding exon 5 in the RAD51B gene. This nucleotide position is well conserved in available vertebrate species. In silico splice site analysis predicts that this alteration will not have any significant effect on splicing. The evidence for this gene-disease relationship is limited; therefore, the clinical significance of this alteration is unclear.

NM_133510.4(RAD51B):c.572+3A>G

Gene: RAD51B (RAD51 paralog B; plus strand). Cytogenetic location: 14q24.1.
Variant type: single nucleotide variant.
Coding change: c.572+3A>G on transcript NM_133510.4 (MANE Select); 3 bases into the intron after coding-DNA position 572, A replaced by G.
Molecular consequence: intron variant.
Genome position (GRCh38, 1-based): chr14:67,885,991, A>G. VCF-style: chr14-67885991-A-G. GRCh37 (hg19) VCF-style: chr14-68352708-A-G.
Other names: c.572+3A>G (NM_001321818.2, NM_001321809.2, NM_001321821.2 and 6 more transcripts); c.215+3A>G (NM_001321817.2); c.458+3A>G (NM_001321815.1).
Identifiers: ClinVar variation 3786351 (VCV003786351.1).